The following is an entry in ClinVar:

NM_020778.5(ALPK3):c.4468C>G (p.Arg1490Gly)

Gene: ALPK3 (alpha kinase 3; plus strand). Cytogenetic location: 15q25.3.
Variant type: single nucleotide variant.
Coding change: c.4468C>G on transcript NM_020778.5 (MANE Select); coding-DNA position 4468, C replaced by G.
Protein change: p.Arg1490Gly; replaces arginine 1490 with glycine.
Molecular consequence: missense variant.
Genome position (GRCh38, 1-based): chr15:84,863,609, C>G. VCF-style: chr15-84863609-C-G. GRCh37 (hg19) VCF-style: chr15-85406840-C-G.
Other names: short protein forms R1490G.
Identifiers: ClinVar variation 3532977 (VCV003532977.1).

ClinVar aggregate classification (germline): Uncertain significance (1 of 4 stars; one submission).

Conditions:
Cardiovascular phenotype. Identifiers: MedGen CN230736.

gnomAD v4.1: 1 of 1,614,040 alleles (0.000062%); highest among the groups gnomAD compares: Non-Finnish European, 0.000085%; no homozygotes.

Submission:

Ambry Genetics
Classification: Uncertain significance for Cardiovascular phenotype. Last evaluated: 2024-08-19. Review status: criteria provided, single submitter. Criteria: Ambry Variant Classification Scheme 2023. Collection method: clinical testing. Allele origin: germline.
Comment: The p.R1692G variant (also known as c.5074C>G), located in coding exon 11 of the ALPK3 gene, results from a C to G substitution at nucleotide position 5074. The arginine at codon 1692 is replaced by glycine, an amino acid with dissimilar properties. This amino acid position is conserved. In addition, this alteration is predicted to be tolerated by in silico analysis. Based on the available evidence, the clinical significance of this variant remains unclear.